The following is an entry in ClinVar:

ClinVar aggregate classification (germline): Likely benign. Review status: criteria provided, single submitter (1 of 4 stars). 2 submissions from 2 submitters: Likely benign (1). 1 of the submissions does not count toward it. Last evaluated 2025-01-21.

Conditions:
Townes syndrome (TBS). Also called: Townes-Brocks syndrome. Identifiers: Orphanet 857, MedGen C0265246, MeSH C536974, MONDO:0007142.
SALL1-related disorder. Also called: SALL1-related condition.

Allele frequency attached by ClinVar (database versions not stated): ExAC 0.00001; gnomAD exomes 0.00001.
gnomAD v4.1: 23 of 1,614,154 alleles (0.0014%); highest among the groups gnomAD compares: East Asian, 0.011%; no homozygotes.

Submissions (2):

Labcorp Genetics (formerly Invitae), Labcorp
Classification: Likely benign for Townes syndrome. Last evaluated: 2025-01-21. Review status: criteria provided, single submitter. Criteria: Invitae Variant Classification Sherloc (09022015). Collection method: clinical testing. Allele origin: germline.

PreventionGenetics, part of Exact Sciences
Classification: Likely benign for SALL1-related condition. Last evaluated: 2024-08-16. Review status: no assertion criteria provided. Collection method: clinical testing. Allele origin: germline. Not counted in ClinVar's aggregate classification.
Comment: This variant is classified as likely benign based on ACMG/AMP sequence variant interpretation guidelines (Richards et al. 2015 PMID: 25741868, with internal and published modifications).

NM_002968.3(SALL1):c.2397C>T (p.Pro799=)

Gene: SALL1 (spalt like transcription factor 1; minus strand). Cytogenetic location: 16q12.1.
Variant type: single nucleotide variant.
Coding change: c.2397C>T on transcript NM_002968.3 (MANE Select); coding-DNA position 2397, C replaced by T.
Protein change: p.Pro799=; no amino-acid change (proline 799 retained).
Molecular consequence: synonymous variant.
Genome position (GRCh38, 1-based): chr16:51,139,825, G>A on the plus strand (C>T on the coding strand, the complement: SALL1 is on the minus strand). VCF-style: chr16-51139825-G-A. GRCh37 (hg19) VCF-style: chr16-51173736-G-A.
Other names: c.2106C>T, p.Pro702= (NM_001127892.2).
Identifiers: ClinVar variation 3058240 (VCV003058240.4), dbSNP rs752496655, ClinGen allele CA8053113.